The following is an entry in ClinVar:

NM_017780.4(CHD7):c.2377-8T>G

Gene: CHD7 (chromodomain helicase DNA binding protein 7; plus strand). Cytogenetic location: 8q12.2.
Variant type: single nucleotide variant.
Coding change: c.2377-8T>G on transcript NM_017780.4 (MANE Select); 8 bases into the intron before coding-DNA position 2377, T replaced by G.
Molecular consequence: intron variant.
Genome position (GRCh38, 1-based): chr8:60,801,520, T>G. VCF-style: chr8-60801520-T-G. GRCh37 (hg19) VCF-style: chr8-61714079-T-G.
Other names: c.1716+20470T>G (NM_001316690.1); c.2377-8T>G (NM_017780.3).
Identifiers: ClinVar variation 1592129 (VCV001592129.9), dbSNP rs777518407, ClinGen allele CA4759700.

ClinVar aggregate classification (germline): Likely benign. Review status: criteria provided, multiple submitters, no conflicts (2 of 4 stars). 2 submissions from 2 submitters: Likely benign (2). Last evaluated 2026-06-28.

Conditions:
CHD7-related disorder. Also called: CHD7-related condition.
CHARGE syndrome (CHARGE). Also called: Coloboma, heart anomaly, choanal atresia, retardation, genital and ear anomalies; CHARGE association; Hall-Hittner syndrome; Hittner Hirsch Kreh syndrome; CHARGE ASSOCIATION--COLOBOMA, HEART ANOMALY, CHOANAL ATRESIA, RETARDATION, GENITAL AND EAR ANOMALIES. Identifiers: Orphanet 138, MedGen C0265354, MONDO:0008965.

Allele frequency attached by ClinVar (database versions not stated): ExAC 0.00003.
gnomAD v4.1: 1 of 1,563,544 alleles (0.000064%); highest among the groups gnomAD compares: African/African-American, 0.0014%; no homozygotes.

Submissions (2):

PreventionGenetics, part of Exact Sciences
Classification: Likely benign for CHD7-related condition. Last evaluated: 2026-06-28. Review status: criteria provided, single submitter. Criteria: ACMG Guidelines, 2015. Collection method: clinical testing. Allele origin: germline.
Comment: This variant is classified as likely benign based on ACMG/AMP sequence variant interpretation guidelines (Richards et al. 2015 PMID: 25741868, with internal and published modifications).

Labcorp Genetics (formerly Invitae), Labcorp
Classification: Likely benign for CHARGE syndrome. Last evaluated: 2021-04-22. Review status: criteria provided, single submitter. Criteria: Invitae Variant Classification Sherloc (09022015). Collection method: clinical testing. Allele origin: germline.